The following is an entry in ClinVar:

NM_018192.4(P3H2):c.670G>A (p.Asp224Asn)

Gene: P3H2 (prolyl 3-hydroxylase 2; minus strand). Cytogenetic location: 3q28.
Variant type: single nucleotide variant.
Coding change: c.670G>A on transcript NM_018192.4 (MANE Select); coding-DNA position 670, G replaced by A.
Protein change: p.Asp224Asn; replaces aspartic acid 224 with asparagine.
Molecular consequence: missense variant.
Genome position (GRCh38, 1-based): chr3:189,994,247, C>T on the plus strand (G>A on the coding strand, the complement: P3H2 is on the minus strand). VCF-style: chr3-189994247-C-T. GRCh37 (hg19) VCF-style: chr3-189712036-C-T.
Other names: c.127G>A, p.Asp43Asn (NM_001134418.2); short protein forms D224N, D43N.
Identifiers: ClinVar variation 1926328 (VCV001926328.5), dbSNP rs758731716, ClinGen allele CA2753242.

ClinVar aggregate classification (germline): Uncertain significance (1 of 4 stars; one submission).

Allele frequency attached by ClinVar (database versions not stated): gnomAD exomes below 0.00001; ExAC 0.00001; gnomAD 0.00001; TOPMed 0.00001.
gnomAD v4.1: 4 of 1,613,550 alleles (0.00025%); highest among the groups gnomAD compares: South Asian, 0.0011%; no homozygotes.

Submission:

Labcorp Genetics (formerly Invitae), Labcorp
Classification: Uncertain significance. Last evaluated: 2022-05-09. Review status: criteria provided, single submitter. Criteria: Invitae Variant Classification Sherloc (09022015). Collection method: clinical testing. Allele origin: germline.
Comment: In summary, the available evidence is currently insufficient to determine the role of this variant in disease. Therefore, it has been classified as a Variant of Uncertain Significance. Algorithms developed to predict the effect of missense changes on protein structure and function (SIFT, PolyPhen-2, Align-GVGD) all suggest that this variant is likely to be tolerated. This variant has not been reported in the literature in individuals affected with P3H2-related conditions. This variant is present in population databases (rs758731716, gnomAD 0.006%). This sequence change replaces aspartic acid, which is acidic and polar, with asparagine, which is neutral and polar, at codon 224 of the P3H2 protein (p.Asp224Asn).